The following is an entry in ClinVar:

ClinVar aggregate classification (germline): Conflicting classifications of pathogenicity. Review status: criteria provided, conflicting classifications (1 of 4 stars). 8 submissions from 8 submitters: Pathogenic (1); Likely pathogenic (3); Uncertain significance (3). 1 of the submissions does not count toward it. Last evaluated 2025-12-14.

Conditions:
Cardiovascular phenotype. Identifiers: MedGen CN230736.
Hypertrophic cardiomyopathy 4. Also called: Familial hypertrophic cardiomyopathy 4. Identifiers: MedGen C1861862, MONDO:0007268, OMIM 115197.
Hypertrophic cardiomyopathy. Also called: HYPERTROPHIC MYOCARDIOPATHY. Identifiers: Orphanet 217569, MedGen C0007194, MeSH D002312, MONDO:0005045, HP:0001639.
Asymmetric septal hypertrophy. Identifiers: MedGen C0205700, HP:0001670.

Submissions (8):

Labcorp Genetics (formerly Invitae), Labcorp
Classification: Pathogenic for Hypertrophic cardiomyopathy. Last evaluated: 2025-12-14. Review status: criteria provided, single submitter. Criteria: Invitae Variant Classification Sherloc (09022015). Collection method: clinical testing. Allele origin: germline.
Comment: This sequence change replaces asparagine, which is neutral and polar, with lysine, which is basic and polar, at codon 1257 of the MYBPC3 protein (p.Asn1257Lys). This variant is not present in population databases (gnomAD no frequency). This missense change has been observed in individuals with known and suspected hypertrophic cardiomyopathy (HCM) (PMID: 23396983, 24510615, 24793961, 27532257, 29030401; internal data). ClinVar contains an entry for this variant (Variation ID: 181022). An algorithm developed to predict the effect of missense changes on protein structure and function (PolyPhen-2) suggests that this variant is likely to be disruptive. Experimental studies have shown that this missense change affects MYBPC3 function (PMID: 32841044). For these reasons, this variant has been classified as Pathogenic.

GeneDx
Classification: Likely pathogenic. Last evaluated: 2025-12-05. Review status: criteria provided, single submitter. Criteria: GeneDx Variant Classification Process June 2021. Collection method: clinical testing. Allele origin: germline. Affected: yes.
Comment: Not observed at significant frequency in large population cohorts (gnomAD); Published functional studies suggest a damaging effect in HEK293A cells (PMID: 32841044); In silico analysis supports that this missense variant has a deleterious effect on protein structure/function; This variant is associated with the following publications: (PMID: 23396983, 24510615, 24793961, 27532257, 12818575, 25351510, 29030401, 33782553, 32841044, 37652022, 38456273)

Ambry Genetics
Classification: Uncertain significance for Cardiovascular phenotype. Last evaluated: 2025-07-28. Review status: criteria provided, single submitter. Criteria: Ambry Variant Classification Scheme 2023. Collection method: clinical testing. Allele origin: germline.
Comment: The p.N1257K variant (also known as c.3771C>A), located in coding exon 33 of the MYBPC3 gene, results from a C to A substitution at nucleotide position 3771. The asparagine at codon 1257 is replaced by lysine, an amino acid with similar properties. This variant has been observed in multiple individuals reported to have hypertrophic cardiomyopathy (HCM); however, clinical details were limited (Kapplinger JD et al. J Cardiovasc Transl Res, 2014 Apr;7:347-61; Bos JM et al. Mayo Clin. Proc., 2014 Jun;89:727-37; Walsh R et al. Genet. Med., 2017 02;19:192-203; Cirino AL et al. Circ Cardiovasc Genet, 2017 Oct;10:[Epub ahead of print]). This amino acid position is highly conserved in available vertebrate species. In addition, the in silico prediction for this alteration is inconclusive. Since supporting evidence is limited at this time, the clinical significance of this alteration remains unclear.

3billion
Classification: Likely pathogenic for Hypertrophic cardiomyopathy 4. Last evaluated: 2025-07-18. Review status: criteria provided, single submitter. Criteria: ACMG Guidelines, 2015. Collection method: clinical testing. Allele origin: germline. Affected: yes.
Comment: The variant is not observed in the gnomAD v4.1.0 dataset. Predicted Consequence/Location: Missense variant Damaging effect on gene or gene product predicted by in silico programs is uncertain [REVEL: 0.57 (damaging >=0.6, benign <0.4), 3Cnet: 0.24 (damaging >0.75, benign <0.1)]. The same nucleotide change resulting in the same amino acid change has been previously reported as pathogenic/likely pathogenic with strong evidence (ClinVar ID: VCV000181022 /PMID: 23396983 /3billion dataset). Therefore, this variant is classified as Likely pathogenic according to the recommendation of ACMG/AMP guideline.

Molecular Diagnostic Laboratory for Inherited Cardiovascular Disease, Montreal Heart Institute
Classification: Likely pathogenic for Cardiovascular phenotype. Last evaluated: 2025-04-29. Review status: criteria provided, single submitter. Criteria: ACMG Guidelines, 2015. Collection method: clinical testing. Allele origin: germline. Affected: yes.
Comment: PS4, PM2, PS3_supp

Laboratory for Molecular Medicine, Mass General Brigham Personalized Medicine
Classification: Uncertain significance. Last evaluated: 2016-01-26. Review status: criteria provided, single submitter. Criteria: LMM Criteria. Collection method: clinical testing. Allele origin: germline. Inheritance: Autosomal dominant inheritance. Observed: 2 variant alleles.
Comment: Variant classified as Uncertain Significance - Favor Pathogenic. The p.Asn1257Ly s variant in MYBPC3 has been reported in at least 7 individuals with HCM (Lopes 2013, Kapplinger 2014, Lopes 2015). This variant was absent from large populatio n studies. Computational prediction tools and conservation analysis suggest that the p.Asn1257Lys variant may impact the protein, though this information is not predictive enough to determine pathogenicity. In summary, while there is some s uspicion for a pathogenic role, the clinical significance of the p.Asn1257Lys va riant is uncertain.

Stanford Center for Inherited Cardiovascular Disease, Stanford University
Classification: Uncertain significance. Last evaluated: 2013-10-01. Review status: criteria provided, single submitter. Criteria: ACMG Guidelines, 2015. Collection method: provider interpretation. Allele origin: germline.

NIHR Bioresource Rare Diseases, University of Cambridge
Classification: Likely pathogenic for Asymmetric septal hypertrophy. Last evaluated: 2018-01-01. Review status: no assertion criteria provided. Collection method: research. Allele origin: germline. Affected: yes. Not counted in ClinVar's aggregate classification.

Literature cited by the submitters: PubMed 23396983 (cited by 3 submitters); PubMed 24510615 (cited by 3 submitters); PubMed 24793961 (cited by Labcorp Genetics (formerly Invitae), Labcorp and Ambry Genetics); PubMed 27532257 (cited by Labcorp Genetics (formerly Invitae), Labcorp and Ambry Genetics); PubMed 29030401 (cited by Labcorp Genetics (formerly Invitae), Labcorp and Ambry Genetics); PubMed 32841044 (cited by Labcorp Genetics (formerly Invitae), Labcorp and Ambry Genetics); PubMed 25351510 (cited by Laboratory for Molecular Medicine, Mass General Brigham Personalized Medicine); PubMed 12818575 (cited by Laboratory for Molecular Medicine, Mass General Brigham Personalized Medicine).

NM_000256.3(MYBPC3):c.3771C>A (p.Asn1257Lys)

Gene: MYBPC3 (myosin binding protein C3; minus strand). Cytogenetic location: 11p11.2.
Variant type: single nucleotide variant.
Coding change: c.3771C>A on transcript NM_000256.3 (MANE Select); coding-DNA position 3771, C replaced by A.
Protein change: p.Asn1257Lys; replaces asparagine 1257 with lysine.
Molecular consequence: missense variant.
Genome position (GRCh38, 1-based): chr11:47,332,115, G>T on the plus strand (C>A on the coding strand, the complement: MYBPC3 is on the minus strand). VCF-style: chr11-47332115-G-T. GRCh37 (hg19) VCF-style: chr11-47353666-G-T.
Other names: p.N1257K:AAC>AAA; short protein forms N1257K.
Identifiers: ClinVar variation 181022 (VCV000181022.27), dbSNP rs730880603, ClinGen allele CA014838.